The following is an entry in ClinVar:

NM_014009.4(FOXP3):c.297G>C (p.Arg99Ser)

Gene: FOXP3 (forkhead box P3; minus strand). Cytogenetic location: Xp11.23.
Variant type: single nucleotide variant.
Coding change: c.297G>C on transcript NM_014009.4 (MANE Select); coding-DNA position 297, G replaced by C.
Protein change: p.Arg99Ser; replaces arginine 99 with serine.
Molecular consequence: missense variant. On other transcripts: intron variant (1).
Genome position (GRCh38, 1-based): chrX:49,257,682, C>G on the plus strand (G>C on the coding strand, the complement: FOXP3 is on the minus strand). VCF-style: chrX-49257682-C-G. GRCh37 (hg19) VCF-style: chrX-49114139-C-G.
Other names: c.211-117G>C (NM_001114377.2); short protein forms R99S.
Identifiers: ClinVar variation 3096566 (VCV003096566.4), dbSNP rs910806219, ClinGen allele CA329136900.
Genomic context (GRCh38, chrX:49,257,682, plus strand): 5'-CTCCCACCTGCTCCCTCCTCCCTGCCCATTCACCGTCCATACCTGGTGCATGAAATGTGG[C>G]CTGTCCTGGAGGAGTGCCTGTAAGTGGGGCAAGGGGCCCAGCCGTGCCCCGGAGGGTGCC-3'
Protein context (NP_054728.2, residues 89-109): LPHLQALLQD[Arg99Ser]PHFMHQLSTV

ClinVar aggregate classification (germline): Uncertain significance. Review status: criteria provided, multiple submitters, no conflicts (2 of 4 stars). 3 submissions from 3 submitters: Uncertain significance (3). Last evaluated 2024-08-11.

Conditions:
Insulin-dependent diabetes mellitus secretory diarrhea syndrome (IPEX). Also called: X-Linked Autoimmunity-Allergic Dysregulation Syndrome; Immunodeficiency, Polyendocrinopathy, and Enteropathy X-Linked Syndrome; X-Linked Syndrome of Polyendocrinopathy, Immune Dysfunction, and Diarrhea; Immune dysregulation-polyendocrinopathy-enteropathy-X-linked syndrome; DIABETES MELLITUS, CONGENITAL INSULIN-DEPENDENT, WITH FATAL SECRETORY DIARRHEA; DIARRHEA, POLYENDOCRINOPATHY, FATAL INFECTION SYNDROME, X-LINKED. Identifiers: Orphanet 37042, MedGen C0342288, MONDO:0010580, OMIM 304790. Disease mechanism: loss of function.
Inborn genetic diseases. Identifiers: MedGen C0950123, MeSH D030342.

Allele frequency attached by ClinVar (database versions not stated): gnomAD exomes 0.00001; gnomAD 0.00002.

Submissions (3):

Labcorp Genetics (formerly Invitae), Labcorp
Classification: Uncertain significance for Insulin-dependent diabetes mellitus secretory diarrhea syndrome. Last evaluated: 2024-08-11. Review status: criteria provided, single submitter. Criteria: Invitae Variant Classification Sherloc (09022015). Collection method: clinical testing. Allele origin: germline.
Comment: This sequence change replaces arginine, which is basic and polar, with serine, which is neutral and polar, at codon 99 of the FOXP3 protein (p.Arg99Ser). This variant is present in population databases (no rsID available, gnomAD 0.02%). This variant has not been reported in the literature in individuals affected with FOXP3-related conditions. Advanced modeling of protein sequence and biophysical properties (such as structural, functional, and spatial information, amino acid conservation, physicochemical variation, residue mobility, and thermodynamic stability) performed at Invitae indicates that this missense variant is not expected to disrupt FOXP3 protein function with a negative predictive value of 80%. In summary, the available evidence is currently insufficient to determine the role of this variant in disease. Therefore, it has been classified as a Variant of Uncertain Significance.

Fulgent Genetics
Classification: Uncertain significance for Insulin-dependent diabetes mellitus secretory diarrhea syndrome. Last evaluated: 2024-05-17. Review status: criteria provided, single submitter. Criteria: ACMG Guidelines, 2015. Collection method: clinical testing. Allele origin: germline.

Ambry Genetics
Classification: Uncertain significance for Inborn genetic diseases. Last evaluated: 2024-01-09. Review status: criteria provided, single submitter. Criteria: Ambry Variant Classification Scheme 2023. Collection method: clinical testing. Allele origin: germline.